The following is an entry in ClinVar:

NM_015346.4(ZFYVE26):c.7354A>T (p.Lys2452Ter)

Gene: ZFYVE26 (zinc finger FYVE-type containing 26; minus strand). Cytogenetic location: 14q24.1.
Variant type: single nucleotide variant.
Coding change: c.7354A>T on transcript NM_015346.4 (MANE Select); coding-DNA position 7354, A replaced by T.
Protein change: p.Lys2452Ter; replaces lysine 2452 with a stop codon.
Molecular consequence: nonsense.
Genome position (GRCh38, 1-based): chr14:67,752,361, T>A on the plus strand (A>T on the coding strand, the complement: ZFYVE26 is on the minus strand). VCF-style: chr14-67752361-T-A. GRCh37 (hg19) VCF-style: chr14-68219078-T-A.
Other names: short protein forms K2452*.
Identifiers: ClinVar variation 5014150 (VCV005014150.1).

ClinVar aggregate classification (germline): Pathogenic (1 of 4 stars; one submission).

Conditions:
Hereditary spastic paraplegia 15 (SPG15). Also called: SPASTIC PARAPLEGIA 15, AUTOSOMAL RECESSIVE; KJELLIN SYNDROME; SPASTIC PARAPLEGIA AND RETINAL DEGENERATION. Identifiers: Orphanet 100996, MedGen C1849128, MONDO:0010044, OMIM 270700.

Submission:

Myriad Genetics, Inc.
Classification: Pathogenic for Hereditary spastic paraplegia 15. Last evaluated: 2025-03-01. Review status: criteria provided, single submitter. Criteria: Myriad Autosomal Dominant, Autosomal Recessive and X-Linked Classification Criteria (2023). Collection method: clinical testing. Allele origin: unknown.
Comment: NM_015346.3(ZFYVE26):c.7354A>T(K2452*) is expected to be pathogenic in the context of spastic paraplegia type 15. This variant is predicted to lead to an abnormal or absent protein product due to the creation of a premature termination codon in ZFYVE26, a gene where loss-of-function variants are known to be pathogenic. Please note: this variant was assessed in the context of healthy population screening.